The following is an entry in ClinVar:

ClinVar aggregate classification (germline): Uncertain significance (1 of 4 stars; one submission).

Conditions:
Brugada syndrome. Also called: Sudden unexplained nocturnal death syndrome; Sudden Unexplained Death Syndrome; Sudden Unexplained Nocturnal Death Syndrome (SUNDS); Sudden unexpected nocturnal death syndrome. Identifiers: Orphanet 130, MedGen C1142166, MONDO:0015263.

Allele frequency attached by ClinVar (database versions not stated): gnomAD 0.00001.

Submission:

Labcorp Genetics (formerly Invitae), Labcorp
Classification: Uncertain significance for Brugada syndrome. Last evaluated: 2024-04-30. Review status: criteria provided, single submitter. Criteria: Invitae Variant Classification Sherloc (09022015). Collection method: clinical testing. Allele origin: germline.
Comment: This sequence change replaces arginine, which is basic and polar, with histidine, which is basic and polar, at codon 195 of the KCNJ8 protein (p.Arg195His). This variant is not present in population databases (gnomAD no frequency). This variant has not been reported in the literature in individuals affected with KCNJ8-related conditions. Advanced modeling of protein sequence and biophysical properties (such as structural, functional, and spatial information, amino acid conservation, physicochemical variation, residue mobility, and thermodynamic stability) performed at Invitae indicates that this missense variant is not expected to disrupt KCNJ8 protein function with a negative predictive value of 80%. In summary, the available evidence is currently insufficient to determine the role of this variant in disease. Therefore, it has been classified as a Variant of Uncertain Significance.

NM_004982.4(KCNJ8):c.584G>A (p.Arg195His)

Genes: KCNJ8 (potassium inwardly rectifying channel subfamily J member 8; minus strand), KCNJ8-AS1 (KCNJ8 antisense RNA 1; plus strand). Cytogenetic location: 12p12.1.
Variant type: single nucleotide variant.
Coding change: c.584G>A on transcript NM_004982.4 (MANE Select); coding-DNA position 584, G replaced by A.
Protein change: p.Arg195His; replaces arginine 195 with histidine.
Molecular consequence: missense variant.
Genome position (GRCh38, 1-based): chr12:21,766,414, C>T on the plus strand (G>A on the coding strand, the complement: KCNJ8 is on the minus strand). VCF-style: chr12-21766414-C-T. GRCh37 (hg19) VCF-style: chr12-21919348-C-T.
Other names: short protein forms R195H.
Identifiers: ClinVar variation 2737042 (VCV002737042.3), dbSNP rs779171376, ClinGen allele CA384126643.